The following is an entry in ClinVar:

NM_006766.5(KAT6A):c.3353A>G (p.Asp1118Gly)

Gene: KAT6A (lysine acetyltransferase 6A; minus strand). Cytogenetic location: 8p11.21.
Variant type: single nucleotide variant.
Coding change: c.3353A>G on transcript NM_006766.5 (MANE Select); coding-DNA position 3353, A replaced by G.
Protein change: p.Asp1118Gly; replaces aspartic acid 1118 with glycine.
Molecular consequence: missense variant.
Genome position (GRCh38, 1-based): chr8:41,934,867, T>C on the plus strand (A>G on the coding strand, the complement: KAT6A is on the minus strand). VCF-style: chr8-41934867-T-C. GRCh37 (hg19) VCF-style: chr8-41792385-T-C.
Other names: short protein forms D1118G.
Identifiers: ClinVar variation 2877091 (VCV002877091.3), dbSNP rs2486758955, ClinGen allele CA371069333.

ClinVar aggregate classification (germline): Uncertain significance (1 of 4 stars; one submission).

Submission:

Labcorp Genetics (formerly Invitae), Labcorp
Classification: Uncertain significance. Last evaluated: 2023-10-29. Review status: criteria provided, single submitter. Criteria: Invitae Variant Classification Sherloc (09022015). Collection method: clinical testing. Allele origin: germline.
Comment: This sequence change replaces aspartic acid, which is acidic and polar, with glycine, which is neutral and non-polar, at codon 1118 of the KAT6A protein (p.Asp1118Gly). This variant is not present in population databases (gnomAD no frequency). This variant has not been reported in the literature in individuals affected with KAT6A-related conditions. Algorithms developed to predict the effect of missense changes on protein structure and function output the following: SIFT: "Not Available"; PolyPhen-2: "Benign"; Align-GVGD: "Not Available". The glycine amino acid residue is found in multiple mammalian species, which suggests that this missense change does not adversely affect protein function. In summary, the available evidence is currently insufficient to determine the role of this variant in disease. Therefore, it has been classified as a Variant of Uncertain Significance.